The following is an entry in ClinVar:

NM_080680.3(COL11A2):c.3529-44A>G

Gene: COL11A2 (collagen type XI alpha 2 chain; minus strand). Cytogenetic location: 6p21.32.
Variant type: single nucleotide variant.
Coding change: c.3529-44A>G on transcript NM_080680.3 (MANE Select); 44 bases into the intron before coding-DNA position 3529, A replaced by G.
Molecular consequence: intron variant.
Genome position (GRCh38, 1-based): chr6:33,170,423, T>C on the plus strand (A>G on the coding strand, the complement: COL11A2 is on the minus strand). VCF-style: chr6-33170423-T-C. GRCh37 (hg19) VCF-style: chr6-33138200-T-C.
Other names: c.3208-44A>G (NM_080679.3); c.3271-44A>G (NM_080681.3).
Identifiers: ClinVar variation 675910 (VCV000675910.1), dbSNP rs16868900, ClinGen allele CA3750470.

ClinVar aggregate classification (germline): Benign (1 of 4 stars; one submission).

Allele frequency attached by ClinVar (database versions not stated): gnomAD exomes 0.03004; ExAC 0.03071; 1000 Genomes Project 0.04593; 1000 Genomes Project 30x 0.04638; ESP Exome Variant Server 0.04813; gnomAD 0.04815 and 0.04873; TOPMed 0.05078.
gnomAD v4.1: 48,233 of 1,507,326 alleles (3.2%); highest among the groups gnomAD compares: African/African-American, 9.5%; 1,007 homozygotes.

Submission:

GeneDx
Classification: Benign. Last evaluated: 2018-06-18. Review status: criteria provided, single submitter. Criteria: GeneDx Variant Classification (06012015). Collection method: clinical testing. Allele origin: germline. Affected: yes.
Comment: This variant is considered likely benign or benign based on one or more of the following criteria: it is a conservative change, it occurs at a poorly conserved position in the protein, it is predicted to be benign by multiple in silico algorithms, and/or has population frequency not consistent with disease.